The following is an entry in ClinVar:

ClinVar aggregate classification (germline): Uncertain significance (1 of 4 stars; one submission).

gnomAD v4.1: 2 of 1,614,208 alleles (0.00012%); highest among the groups gnomAD compares: South Asian, 0.0011%; no homozygotes.

Submission:

Labcorp Genetics (formerly Invitae), Labcorp
Classification: Uncertain significance. Last evaluated: 2024-09-11. Review status: criteria provided, single submitter. Criteria: Invitae Variant Classification Sherloc (09022015). Collection method: clinical testing. Allele origin: germline.
Comment: This sequence change replaces proline, which is neutral and non-polar, with leucine, which is neutral and non-polar, at codon 362 of the HYOU1 protein (p.Pro362Leu). This variant is present in population databases (rs782699548, gnomAD 0.003%). This variant has not been reported in the literature in individuals affected with HYOU1-related conditions. An algorithm developed to predict the effect of missense changes on protein structure and function (PolyPhen-2) suggests that this variant is likely to be disruptive. In summary, the available evidence is currently insufficient to determine the role of this variant in disease. Therefore, it has been classified as a Variant of Uncertain Significance.

NM_006389.5(HYOU1):c.1085C>T (p.Pro362Leu)

Gene: HYOU1 (hypoxia up-regulated 1; minus strand). Cytogenetic location: 11q23.3.
Variant type: single nucleotide variant.
Coding change: c.1085C>T on transcript NM_006389.5 (MANE Select); coding-DNA position 1085, C replaced by T.
Protein change: p.Pro362Leu; replaces proline 362 with leucine.
Molecular consequence: missense variant.
Genome position (GRCh38, 1-based): chr11:119,052,332, G>A on the plus strand (C>T on the coding strand, the complement: HYOU1 is on the minus strand). VCF-style: chr11-119052332-G-A. GRCh37 (hg19) VCF-style: chr11-118923044-G-A.
Other names: c.1085C>T, p.Pro362Leu (NM_001130991.3, NM_001411041.1); short protein forms P362L.
Identifiers: ClinVar variation 3622023 (VCV003622023.2).